The following is an entry in ClinVar:

NM_007215.4(POLG2):c.734C>A (p.Pro245Gln)

Genes: MILR1 (mast cell immunoglobulin like receptor 1; plus strand), POLG2 (DNA polymerase gamma 2, accessory subunit; minus strand). Cytogenetic location: 17q23.3.
Variant type: single nucleotide variant.
Coding change: c.734C>A on transcript NM_007215.4 (MANE Select); coding-DNA position 734, C replaced by A.
Protein change: p.Pro245Gln; replaces proline 245 with glutamine.
Molecular consequence: missense variant.
Genome position (GRCh38, 1-based): chr17:64,492,728, G>T on the plus strand (C>A on the coding strand, the complement: POLG2 is on the minus strand). VCF-style: chr17-64492728-G-T. GRCh37 (hg19) VCF-style: chr17-62488845-G-T.
Other names: short protein forms P245Q.
Identifiers: ClinVar variation 2663262 (VCV002663262.5), dbSNP rs61751984, ClinGen allele CA8712930.

ClinVar aggregate classification (germline): Uncertain significance. Review status: criteria provided, multiple submitters, no conflicts (2 of 4 stars). 3 submissions from 3 submitters: Uncertain significance (3). Last evaluated 2025-11-06.

gnomAD v4.1: 30 of 1,613,002 alleles (0.0019%); highest among the groups gnomAD compares: Non-Finnish European, 0.0023%; no homozygotes.

Submissions (3):

Ambry Genetics
Classification: Uncertain significance. Last evaluated: 2025-11-06. Review status: criteria provided, single submitter. Criteria: Ambry Variant Classification Scheme 2023. Collection method: clinical testing. Allele origin: germline.

Labcorp Genetics (formerly Invitae), Labcorp
Classification: Uncertain significance. Last evaluated: 2025-06-27. Review status: criteria provided, single submitter. Criteria: Invitae Variant Classification Sherloc (09022015). Collection method: clinical testing. Allele origin: germline.
Comment: This sequence change replaces proline, which is neutral and non-polar, with glutamine, which is neutral and polar, at codon 245 of the POLG2 protein (p.Pro245Gln). This variant is present in population databases (rs61751984, gnomAD 0.004%). This variant has not been reported in the literature in individuals affected with POLG2-related conditions. ClinVar contains an entry for this variant (Variation ID: 2663262). An algorithm developed to predict the effect of missense changes on protein structure and function (PolyPhen-2) suggests that this variant is likely to be tolerated. Algorithms developed to predict the effect of sequence changes on RNA splicing suggest that this variant may create or strengthen a splice site. In summary, the available evidence is currently insufficient to determine the role of this variant in disease. Therefore, it has been classified as a Variant of Uncertain Significance.

GeneDx
Classification: Uncertain significance. Last evaluated: 2023-05-12. Review status: criteria provided, single submitter. Criteria: GeneDx Variant Classification Process June 2021. Collection method: clinical testing. Allele origin: germline. Affected: yes.
Comment: Has not been previously published as pathogenic or benign to our knowledge; In silico analysis supports that this missense variant has a deleterious effect on protein structure/function; Not observed at significant frequency in large population cohorts (gnomAD)